The following is an entry in ClinVar:

ClinVar aggregate classification (germline): Uncertain significance (1 of 4 stars; one submission).

Conditions:
Temtamy syndrome (TEMTYS). Also called: MENTAL RETARDATION WITH OR WITHOUT CRANIOFACIAL DYSMORPHISM, OCULAR COLOBOMA, OR ABNORMAL CORPUS CALLOSUM. Identifiers: Orphanet 1777, MedGen C1857512, MONDO:0009033, OMIM 218340.

Allele frequency attached by ClinVar (database versions not stated): gnomAD 0.00001; TOPMed 0.00003; ExAC 0.00008; 1000 Genomes Project 0.00060; 1000 Genomes Project 30x 0.00062.
gnomAD v4.1: 44 of 1,612,750 alleles (0.0027%); highest among the groups gnomAD compares: South Asian, 0.036%; no homozygotes.

Submission:

Labcorp Genetics (formerly Invitae), Labcorp
Classification: Uncertain significance for Temtamy syndrome. Last evaluated: 2025-08-07. Review status: criteria provided, single submitter. Criteria: Invitae Variant Classification Sherloc (09022015). Collection method: clinical testing. Allele origin: germline.
Comment: This sequence change replaces isoleucine, which is neutral and non-polar, with methionine, which is neutral and non-polar, at codon 24 of the C12orf57 protein (p.Ile24Met). This variant is present in population databases (rs782308920, gnomAD 0.04%). This variant has not been reported in the literature in individuals affected with C12orf57-related conditions. ClinVar contains an entry for this variant (Variation ID: 1681826). An algorithm developed to predict the effect of missense changes on protein structure and function (PolyPhen-2) suggests that this variant is likely to be disruptive. In summary, the available evidence is currently insufficient to determine the role of this variant in disease. Therefore, it has been classified as a Variant of Uncertain Significance.

NM_138425.4(C12orf57):c.72C>G (p.Ile24Met)

Gene: C12orf57 (chromosome 12 open reading frame 57; plus strand). Cytogenetic location: 12p13.31.
Variant type: single nucleotide variant.
Coding change: c.72C>G on transcript NM_138425.4 (MANE Select); coding-DNA position 72, C replaced by G.
Protein change: p.Ile24Met; replaces isoleucine 24 with methionine.
Molecular consequence: missense variant. On other transcripts: 5 prime UTR variant (1), non-coding transcript variant (1).
Genome position (GRCh38, 1-based): chr12:6,944,495, C>G. VCF-style: chr12-6944495-C-G. GRCh37 (hg19) VCF-style: chr12-7053658-C-G.
Other names: c.72C>G, p.Ile24Met (NM_001301834.1, NM_001301837.2); c.33C>G, p.Ile11Met (NM_001301836.2); c.-34C>G (NM_001301838.2); short protein forms I11M, I24M.
Identifiers: ClinVar variation 1681826 (VCV001681826.4), dbSNP rs782308920, ClinGen allele CA6421251.